The following is an entry in ClinVar:

NM_014991.6(WDFY3):c.1034A>G (p.Tyr345Cys)

Gene: WDFY3 (WD repeat and FYVE domain containing 3; minus strand). Cytogenetic location: 4q21.23.
Variant type: single nucleotide variant.
Coding change: c.1034A>G on transcript NM_014991.6 (MANE Select); coding-DNA position 1034, A replaced by G.
Protein change: p.Tyr345Cys; replaces tyrosine 345 with cysteine.
Molecular consequence: missense variant.
Genome position (GRCh38, 1-based): chr4:84,826,904, T>C on the plus strand (A>G on the coding strand, the complement: WDFY3 is on the minus strand). VCF-style: chr4-84826904-T-C. GRCh37 (hg19) VCF-style: chr4-85748057-T-C.
Other names: short protein forms Y345C.
Identifiers: ClinVar variation 4527381 (VCV004527381.1).

ClinVar aggregate classification (germline): Uncertain significance (1 of 4 stars; one submission).

gnomAD v4.1: 2 of 1,610,900 alleles (0.00012%); highest among the groups gnomAD compares: African/African-American, 0.0013%; no homozygotes.

Submission:

GeneDx
Classification: Uncertain significance. Last evaluated: 2025-04-22. Review status: criteria provided, single submitter. Criteria: GeneDx Variant Classification Process June 2021. Collection method: clinical testing. Allele origin: germline. Affected: yes.
Comment: Not observed at significant frequency in large population cohorts (gnomAD); In silico analysis indicates that this missense variant does not alter protein structure/function; Has not been previously published as pathogenic or benign to our knowledge